The following is an entry in ClinVar:

NM_005263.5(GFI1):c.431C>G (p.Ala144Gly)

Gene: GFI1 (growth factor independent 1 transcriptional repressor; minus strand). Cytogenetic location: 1p22.1.
Variant type: single nucleotide variant.
Coding change: c.431C>G on transcript NM_005263.5 (MANE Select); coding-DNA position 431, C replaced by G.
Protein change: p.Ala144Gly; replaces alanine 144 with glycine.
Molecular consequence: missense variant.
Genome position (GRCh38, 1-based): chr1:92,480,956, G>C on the plus strand (C>G on the coding strand, the complement: GFI1 is on the minus strand). VCF-style: chr1-92480956-G-C. GRCh37 (hg19) VCF-style: chr1-92946513-G-C.
Other names: c.431C>G, p.Ala144Gly (NM_001127215.3, NM_001127216.3); short protein forms A144G.
Identifiers: ClinVar variation 435318 (VCV000435318.17), dbSNP rs533176227, ClinGen allele CA951390.

ClinVar aggregate classification (germline): Uncertain significance. Review status: criteria provided, multiple submitters, no conflicts (2 of 4 stars). 4 submissions from 4 submitters: Uncertain significance (4). Last evaluated 2025-12-10.

Conditions:
Neutropenia, severe congenital, 2, autosomal dominant. Identifiers: Orphanet 486, MedGen C2751288, MONDO:0013139, OMIM 613107.

Allele frequency attached by ClinVar (database versions not stated): gnomAD 0.00009; TOPMed 0.00012; gnomAD exomes 0.00013; 1000 Genomes Project 30x 0.00016; 1000 Genomes Project 0.00020; ExAC 0.00022.
gnomAD v4.1: 146 of 1,591,350 alleles (0.0092%); highest among the groups gnomAD compares: South Asian, 0.033%; 1 homozygote.

Submissions (4):

Labcorp Genetics (formerly Invitae), Labcorp
Classification: Uncertain significance for Neutropenia, severe congenital, 2, autosomal dominant. Last evaluated: 2025-12-10. Review status: criteria provided, single submitter. Criteria: Invitae Variant Classification Sherloc (09022015). Collection method: clinical testing. Allele origin: germline.
Comment: This sequence change replaces alanine, which is neutral and non-polar, with glycine, which is neutral and non-polar, at codon 144 of the GFI1 protein (p.Ala144Gly). The frequency data for this variant in the population databases is considered unreliable, as metrics indicate poor data quality at this position in the gnomAD database. This variant has not been reported in the literature in individuals affected with GFI1-related conditions. ClinVar contains an entry for this variant (Variation ID: 435318). Invitae Evidence Modeling of protein sequence and biophysical properties (such as structural, functional, and spatial information, amino acid conservation, physicochemical variation, residue mobility, and thermodynamic stability) indicates that this missense variant is not expected to disrupt GFI1 protein function with a negative predictive value of 80%. In summary, the available evidence is currently insufficient to determine the role of this variant in disease. Therefore, it has been classified as a Variant of Uncertain Significance.

GeneDx
Classification: Uncertain significance. Last evaluated: 2024-12-04. Review status: criteria provided, single submitter. Criteria: GeneDx Variant Classification Process June 2021. Collection method: clinical testing. Allele origin: germline. Affected: yes.
Comment: In silico analysis indicates that this missense variant does not alter protein structure/function; Has not been previously published as pathogenic or benign to our knowledge

Ambry Genetics
Classification: Uncertain significance. Last evaluated: 2024-11-23. Review status: criteria provided, single submitter. Criteria: Ambry Variant Classification Scheme 2023. Collection method: clinical testing. Allele origin: germline.
Comment: The p.A144G variant (also known as c.431C>G), located in coding exon 3 of the GFI1 gene, results from a C to G substitution at nucleotide position 431. The alanine at codon 144 is replaced by glycine, an amino acid with similar properties. This amino acid position is conserved. In addition, this alteration is predicted to be tolerated by in silico analysis. Based on the available evidence, the clinical significance of this variant remains unclear.

Genetic Services Laboratory, University of Chicago
Classification: Uncertain significance. Last evaluated: 2016-08-30. Review status: criteria provided, single submitter. Criteria: ACMG Guidelines, 2015. Collection method: clinical testing. Allele origin: germline. Affected: no.